The following is an entry in ClinVar:

NM_020708.5(SLC12A5):c.855-1G>T

Gene: SLC12A5 (solute carrier family 12 member 5; plus strand). Cytogenetic location: 20q13.12.
Variant type: single nucleotide variant.
Coding change: c.855-1G>T on transcript NM_020708.5 (MANE Select); the canonical splice acceptor site of the intron before coding-DNA position 855, G replaced by T.
Molecular consequence: splice acceptor variant.
Genome position (GRCh38, 1-based): chr20:46,041,328, G>T. VCF-style: chr20-46041328-G-T. GRCh37 (hg19) VCF-style: chr20-44669967-G-T.
Other names: c.924-1G>T (NM_001134771.2).
Identifiers: ClinVar variation 4719561 (VCV004719561.1).
Genomic context (GRCh38, chr20:46,041,328, plus strand): 5'-ATTGTGCAGCGAGGGCAAGGTTATGTGGCTCCCCACCTTCCTCCCTTGTTTCTCTCCCTA[G>T]GATCTGCCTCCTGGGTAACCGCACGCTGTCTCGCCATGGCTTTGATGTCTGTGCCAAGCT-3'

ClinVar aggregate classification (germline): Likely pathogenic (1 of 4 stars; one submission).

Conditions:
Developmental and epileptic encephalopathy, 34 (DEE34). Also called: Early infantile epileptic encephalopathy 34; SLC12A5-Related Epilepsy of Infancy with Migrating Focal Seizures. Identifiers: Orphanet 293181, MedGen C4225257, MONDO:0014718, OMIM 616645.

Submission:

Labcorp Genetics (formerly Invitae), Labcorp
Classification: Likely pathogenic for Developmental and epileptic encephalopathy, 34. Last evaluated: 2025-05-14. Review status: criteria provided, single submitter. Criteria: Invitae Variant Classification Sherloc (09022015). Collection method: clinical testing. Allele origin: germline.
Comment: This sequence change affects an acceptor splice site in intron 7 of the SLC12A5 gene. It is expected to disrupt RNA splicing. Variants that disrupt the donor or acceptor splice site typically lead to a loss of protein function (PMID: 16199547), and loss-of-function variants in SLC12A5 are known to be pathogenic (PMID: 26333769, 27436767). This variant is not present in population databases (gnomAD no frequency). This variant has not been reported in the literature in individuals affected with SLC12A5-related conditions. Algorithms developed to predict the effect of sequence changes on RNA splicing suggest that this variant may disrupt the consensus splice site. In summary, the currently available evidence indicates that the variant is pathogenic, but additional data are needed to prove that conclusively. Therefore, this variant has been classified as Likely Pathogenic.

Literature cited by the submitters: PubMed 16199547; PubMed 26333769; PubMed 27436767.